The following is an entry in ClinVar:

ClinVar aggregate classification (germline): Uncertain significance (1 of 4 stars; one submission).

Conditions:
Infantile-onset X-linked spinal muscular atrophy. Also called: ARTHROGRYPOSIS, X-LINKED, TYPE I; SPINAL MUSCULAR ATROPHY, X-LINKED LETHAL INFANTILE; AMC, DISTAL, X-LINKED; Spinal muscular atrophy, X-linked 2; Spinal Muscular Atrophy, X-Linked Infantile. Identifiers: Orphanet 1145, MedGen C1844934, MONDO:0010532, OMIM 301830.

Submission:

Labcorp Genetics (formerly Invitae), Labcorp
Classification: Uncertain significance for Infantile-onset X-linked spinal muscular atrophy. Last evaluated: 2023-07-22. Review status: criteria provided, single submitter. Criteria: Invitae Variant Classification Sherloc (09022015). Collection method: clinical testing. Allele origin: germline.
Comment: This sequence change replaces proline, which is neutral and non-polar, with leucine, which is neutral and non-polar, at codon 326 of the UBA1 protein (p.Pro326Leu). This variant is not present in population databases (gnomAD no frequency). This variant has not been reported in the literature in individuals affected with UBA1-related conditions. ClinVar contains an entry for this variant (Variation ID: 852626). An algorithm developed to predict the effect of missense changes on protein structure and function (PolyPhen-2) suggests that this variant is likely to be disruptive. In summary, the available evidence is currently insufficient to determine the role of this variant in disease. Therefore, it has been classified as a Variant of Uncertain Significance.

NM_003334.4(UBA1):c.977C>T (p.Pro326Leu)

Gene: UBA1 (ubiquitin like modifier activating enzyme 1; plus strand). Cytogenetic location: Xp11.3.
Variant type: single nucleotide variant.
Coding change: c.977C>T on transcript NM_003334.4 (MANE Select); coding-DNA position 977, C replaced by T.
Protein change: p.Pro326Leu; replaces proline 326 with leucine.
Molecular consequence: missense variant.
Genome position (GRCh38, 1-based): chrX:47,202,425, C>T. VCF-style: chrX-47202425-C-T. GRCh37 (hg19) VCF-style: chrX-47061824-C-T.
Other names: c.977C>T, p.Pro326Leu (NM_153280.3); short protein forms P326L.
Identifiers: ClinVar variation 852626 (VCV000852626.10), dbSNP rs782052714, ClinGen allele CA10395811.